The following is an entry in ClinVar:

NM_001354483.2(CSGALNACT1):c.1351G>A (p.Val451Met)

Gene: CSGALNACT1 (chondroitin sulfate N-acetylgalactosaminyltransferase 1; minus strand). Cytogenetic location: 8p21.3.
Variant type: single nucleotide variant.
Coding change: c.1351G>A on transcript NM_001354483.2 (MANE Select); coding-DNA position 1351, G replaced by A.
Protein change: p.Val451Met; replaces valine 451 with methionine.
Molecular consequence: missense variant. On other transcripts: non-coding transcript variant (7).
Genome position (GRCh38, 1-based): chr8:19,406,028, C>T on the plus strand (G>A on the coding strand, the complement: CSGALNACT1 is on the minus strand). VCF-style: chr8-19406028-C-T. GRCh37 (hg19) VCF-style: chr8-19263539-C-T.
Other names: c.1351G>A, p.Val451Met (NM_001130518.2, NM_001354475.2, NM_001354476.2 and 18 more transcripts); short protein forms V451M.
Identifiers: ClinVar variation 2004374 (VCV002004374.4), dbSNP rs2537346301, ClinGen allele CA370459009.

ClinVar aggregate classification (germline): Uncertain significance (1 of 4 stars; one submission).

Submission:

Labcorp Genetics (formerly Invitae), Labcorp
Classification: Uncertain significance. Last evaluated: 2022-07-05. Review status: criteria provided, single submitter. Criteria: Invitae Variant Classification Sherloc (09022015). Collection method: clinical testing. Allele origin: germline.
Comment: In summary, the available evidence is currently insufficient to determine the role of this variant in disease. Therefore, it has been classified as a Variant of Uncertain Significance. Algorithms developed to predict the effect of missense changes on protein structure and function are either unavailable or do not agree on the potential impact of this missense change (SIFT: "Deleterious"; PolyPhen-2: "Probably Damaging"; Align-GVGD: "Class C15"). This variant has not been reported in the literature in individuals affected with CSGALNACT1-related conditions. This variant is not present in population databases (gnomAD no frequency). This sequence change replaces valine, which is neutral and non-polar, with methionine, which is neutral and non-polar, at codon 451 of the CSGALNACT1 protein (p.Val451Met).